The following is an entry in ClinVar:

NM_001083961.2(WDR62):c.216C>T (p.Asn72=)

Gene: WDR62 (WD repeat domain 62; plus strand). Cytogenetic location: 19q13.12.
Variant type: single nucleotide variant.
Coding change: c.216C>T on transcript NM_001083961.2 (MANE Select); coding-DNA position 216, C replaced by T.
Protein change: p.Asn72=; no amino-acid change (asparagine 72 retained).
Molecular consequence: synonymous variant.
Genome position (GRCh38, 1-based): chr19:36,058,818, C>T. VCF-style: chr19-36058818-C-T. GRCh37 (hg19) VCF-style: chr19-36549720-C-T.
Other names: c.216C>T, p.Asn72= (NM_173636.5).
Identifiers: ClinVar variation 1176707 (VCV001176707.35), dbSNP rs370507238, ClinGen allele CA9395172.

ClinVar aggregate classification (germline): Likely benign (1 of 4 stars; one submission).

Allele frequency attached by ClinVar (database versions not stated): ExAC 0.00002; gnomAD exomes 0.00002 and 0.00003; TOPMed 0.00003; gnomAD 0.00004; ESP Exome Variant Server 0.00015.
gnomAD v4.1: 56 of 1,614,152 alleles (0.0035%); highest among the groups gnomAD compares: Admixed American, 0.005%; no homozygotes.

Submission:

CeGaT Center for Human Genetics Tuebingen
Classification: Likely benign. Last evaluated: 2023-12-01. Review status: criteria provided, single submitter. Criteria: CeGaT Center For Human Genetics Tuebingen Variant Classification Criteria Version 2. Collection method: clinical testing. Allele origin: germline. Affected: yes. Observed: 2 variant alleles.
Comment: WDR62: BP4, BP7